The following is an entry in ClinVar:

NM_000038.6(APC):c.4048A>G (p.Lys1350Glu)

Gene: APC (APC regulator of Wnt signaling pathway; plus strand). Cytogenetic location: 5q22.2.
Variant type: single nucleotide variant.
Coding change: c.4048A>G on transcript NM_000038.6 (MANE Select); coding-DNA position 4048, A replaced by G.
Protein change: p.Lys1350Glu; replaces lysine 1350 with glutamic acid.
Molecular consequence: missense variant.
Genome position (GRCh38, 1-based): chr5:112,839,642, A>G. VCF-style: chr5-112839642-A-G. GRCh37 (hg19) VCF-style: chr5-112175339-A-G.
Other names: c.3973A>G, p.Lys1325Glu (NM_001354898.2); c.3964A>G, p.Lys1322Glu (NM_001354899.2); c.3925A>G, p.Lys1309Glu (NM_001354900.2); c.3871A>G, p.Lys1291Glu (NM_001354901.2, NM_001407453.1); c.3775A>G, p.Lys1259Glu (NM_001354902.2); c.3745A>G, p.Lys1249Glu (NM_001354903.2, NM_001407458.1, NM_001407459.1 and 1 more transcripts); c.3670A>G, p.Lys1224Glu (NM_001354904.2); c.3568A>G, p.Lys1190Glu (NM_001354905.2); and 11 more; short protein forms K1067E, K1190E, K1221E, K1224E, K1249E, K1259E, K1267E, K1291E.
Identifiers: ClinVar variation 2430602 (VCV002430602.5), dbSNP rs2533544409, ClinGen allele CA16030203.

ClinVar aggregate classification (germline): Uncertain significance. Review status: criteria provided, multiple submitters, no conflicts (2 of 4 stars). 4 submissions from 4 submitters: Uncertain significance (4). Last evaluated 2026-07-06.

Conditions:
Hereditary cancer-predisposing syndrome. Also called: Hereditary Cancer Syndrome; Hereditary neoplastic syndrome; Neoplastic Syndromes, Hereditary; Tumor predisposition. Identifiers: Orphanet 140162, MedGen C0027672, MeSH D009386, MONDO:0015356.
Familial adenomatous polyposis 1 (FAP1). Also called: POLYPOSIS, ADENOMATOUS INTESTINAL; FAMILIAL ADENOMATOUS POLYPOSIS 1, ATTENUATED. Identifiers: MedGen C2713442, MONDO:0021056, OMIM 175100. Disease mechanism: loss of function.

Allele frequency attached by ClinVar (database versions not stated): gnomAD exomes below 0.00001.
gnomAD v4.1: 2 of 1,614,166 alleles (0.00012%); highest among the groups gnomAD compares: Non-Finnish European, 0.00017%; no homozygotes.

Submissions (4):

Ambry Genetics
Classification: Uncertain significance for Hereditary cancer-predisposing syndrome. Last evaluated: 2026-07-06. Review status: criteria provided, single submitter. Criteria: Ambry Variant Classification Scheme 2023. Collection method: clinical testing. Allele origin: germline.
Comment: The p.K1350E variant (also known as c.4048A>G), located in coding exon 15 of the APC gene, results from an A to G substitution at nucleotide position 4048. The lysine at codon 1350 is replaced by glutamic acid, an amino acid with similar properties. This amino acid position is conserved. In addition, in silico predictors for this gene do not accurately predict pathogenicity. Based on the available evidence, the clinical significance of this variant remains unclear.

Labcorp Genetics (formerly Invitae), Labcorp
Classification: Uncertain significance for Familial adenomatous polyposis 1. Last evaluated: 2025-06-29. Review status: criteria provided, single submitter. Criteria: Invitae Variant Classification Sherloc (09022015). Collection method: clinical testing. Allele origin: germline.
Comment: This sequence change replaces lysine, which is basic and polar, with glutamic acid, which is acidic and polar, at codon 1350 of the APC protein (p.Lys1350Glu). This variant is not present in population databases (gnomAD no frequency). This variant has not been reported in the literature in individuals affected with APC-related conditions. ClinVar contains an entry for this variant (Variation ID: 2430602). Invitae Evidence Modeling of protein sequence and biophysical properties (such as structural, functional, and spatial information, amino acid conservation, physicochemical variation, residue mobility, and thermodynamic stability) indicates that this missense variant is not expected to disrupt APC protein function with a negative predictive value of 95%. In summary, the available evidence is currently insufficient to determine the role of this variant in disease. Therefore, it has been classified as a Variant of Uncertain Significance.

GeneDx
Classification: Uncertain significance. Last evaluated: 2023-02-06. Review status: criteria provided, single submitter. Criteria: GeneDx Variant Classification Process June 2021. Collection method: clinical testing. Allele origin: germline. Affected: yes.
Comment: Not observed at significant frequency in large population cohorts (gnomAD); In silico analysis supports that this missense variant does not alter protein structure/function; Observed in individuals with familial adenomatous polyposis (Seyed Kazem Mirinezhad et al., 2018); This variant is associated with the following publications: (PMID: 18199528, Mirinezhad2018[article])

Color Diagnostics, LLC DBA Color Health
Classification: Uncertain significance for Hereditary cancer-predisposing syndrome. Last evaluated: 2022-11-06. Review status: criteria provided, single submitter. Criteria: ACMG Guidelines, 2015. Collection method: clinical testing. Allele origin: germline.
Comment: This missense variant replaces lysine with glutamic acid at codon 1350 of the APC protein. Computational prediction suggests that this variant may not impact protein structure and function (internally defined REVEL score threshold <= 0.5, PMID: 27666373). To our knowledge, functional studies have not been reported for this variant. This variant has not been reported in individuals affected with APC-related disorders in the literature. This variant has not been identified in the general population by the Genome Aggregation Database (gnomAD). The available evidence is insufficient to determine the role of this variant in disease conclusively. Therefore, this variant is classified as a Variant of Uncertain Significance.